The following is an entry in ClinVar:

NM_001845.6(COL4A1):c.3325+8del

Gene: COL4A1 (collagen type IV alpha 1 chain; minus strand). Cytogenetic location: 13q34.
Variant type: Deletion.
Coding change: c.3325+8del on transcript NM_001845.6 (MANE Select); 8 bases into the intron after coding-DNA position 3325, one base deleted (A; older notation c.3325+8delA).
Molecular consequence: intron variant.
Genome position (GRCh38, 1-based): chr13:110,174,615, T deleted on the plus strand (A on the coding strand, the reverse complement: COL4A1 is on the minus strand). VCF-style (leftmost placement, unchanged base first): chr13-110174614-CT-C. GRCh37 (hg19) VCF-style: chr13-110826961-CT-C.
Other names: c.3325+8delA (NM_001845.5).
Identifiers: ClinVar variation 2200032 (VCV002200032.26), dbSNP rs559877621, ClinGen allele CA7047312.

ClinVar aggregate classification (germline): Benign/Likely benign. Review status: criteria provided, multiple submitters, no conflicts (2 of 4 stars). 3 submissions from 3 submitters: Benign (1); Likely benign (1). 1 of the submissions does not count toward it. Last evaluated 2025-12-21.

Conditions:
COL4A1-related disorder. Also called: COL4A1-related disorders; COL4A1-related condition. Identifiers: MedGen CN376119, MONDO:0800461.

Allele frequency attached by ClinVar (database versions not stated): gnomAD exomes 0.00002; ExAC 0.00011; ESP Exome Variant Server 0.00016; gnomAD 0.00028; TOPMed 0.00034; 1000 Genomes Project 0.00100; 1000 Genomes Project 30x 0.00125.

Submissions (3):

Labcorp Genetics (formerly Invitae), Labcorp
Classification: Benign. Last evaluated: 2025-12-21. Review status: criteria provided, single submitter. Criteria: Invitae Variant Classification Sherloc (09022015). Collection method: clinical testing. Allele origin: germline.

CeGaT Center for Human Genetics Tuebingen
Classification: Likely benign. Last evaluated: 2024-03-01. Review status: criteria provided, single submitter. Criteria: CeGaT Center For Human Genetics Tuebingen Variant Classification Criteria Version 2. Collection method: clinical testing. Allele origin: germline. Affected: yes. Observed: 1 variant allele.
Comment: COL4A1: BP4, BS1

PreventionGenetics, part of Exact Sciences
Classification: Likely benign for COL4A1-related condition. Last evaluated: 2021-08-24. Review status: no assertion criteria provided. Collection method: clinical testing. Allele origin: germline. Not counted in ClinVar's aggregate classification.
Comment: This variant is classified as likely benign based on ACMG/AMP sequence variant interpretation guidelines (Richards et al. 2015 PMID: 25741868, with internal and published modifications).